The following is an entry in ClinVar:

ClinVar aggregate classification (germline): Conflicting classifications of pathogenicity. Review status: criteria provided, conflicting classifications (1 of 4 stars). 4 submissions from 4 submitters: Uncertain significance (3); Likely benign (1). Last evaluated 2025-11-24.

Conditions:
Hereditary cancer-predisposing syndrome. Also called: Tumor predisposition; Neoplastic Syndromes, Hereditary; Hereditary Cancer Syndrome; Hereditary neoplastic syndrome. Identifiers: Orphanet 140162, MedGen C0027672, MeSH D009386, MONDO:0015356.
Tuberous sclerosis syndrome (TSC). Also called: Tuberous Sclerosis Complex; Tuberous sclerosis. Identifiers: Orphanet 805, MedGen C0041341, MONDO:0001734.
Tuberous sclerosis 2 (TSC2). Identifiers: Orphanet 805, MedGen C1860707, MONDO:0013199, OMIM 613254.

Allele frequency attached by ClinVar (database versions not stated): gnomAD exomes 0.00001; TOPMed 0.00002.
gnomAD v4.1: 20 of 1,614,034 alleles (0.0012%); highest among the groups gnomAD compares: Admixed American, 0.005%; no homozygotes.

Submissions (4):

Labcorp Genetics (formerly Invitae), Labcorp
Classification: Likely benign for Tuberous sclerosis 2. Last evaluated: 2025-11-24. Review status: criteria provided, single submitter. Criteria: Invitae Variant Classification Sherloc (09022015). Collection method: clinical testing. Allele origin: germline.

All of Us Research Program, National Institutes of Health
Classification: Uncertain significance for Tuberous sclerosis syndrome. Last evaluated: 2024-08-23. Review status: criteria provided, single submitter. Criteria: ACMG Guidelines, 2015. Collection method: clinical testing. Allele origin: germline. Inheritance: Autosomal dominant inheritance. Observed: 2 variant alleles, 2 heterozygotes.
Comment: This missense variant replaces tyrosine with cysteine at codon 349 of the TSC2 protein. Computational prediction is inconclusive regarding the impact of this variant on protein structure and function (internally defined REVEL score threshold 0.5 < inconclusive < 0.7, PMID: 27666373). To our knowledge, functional studies have not been reported for this variant. This variant has not been reported in individuals affected with tuberous sclerosis complex in the literature. This variant has been identified in 3/251332 chromosomes in the general population by the Genome Aggregation Database (gnomAD). The available evidence is insufficient to determine the role of this variant in disease conclusively. Therefore, this variant is classified as a Variant of Uncertain Significance.

This study involves interpretation of variants in research participants for the purpose of population health screening. Participant phenotype was not available at the time of variant classification. Additional details can be found in publication PMID: 35346344, PMCID: PMC8962531

Ambry Genetics
Classification: Uncertain significance for Hereditary cancer-predisposing syndrome. Last evaluated: 2024-04-30. Review status: criteria provided, single submitter. Criteria: Ambry Variant Classification Scheme 2023. Collection method: clinical testing. Allele origin: germline.
Comment: The p.Y349C variant (also known as c.1046A>G), located in coding exon 10 of the TSC2 gene, results from an A to G substitution at nucleotide position 1046. The tyrosine at codon 349 is replaced by cysteine, an amino acid with highly dissimilar properties. This amino acid position is highly conserved in available vertebrate species. In addition, this alteration is predicted to be deleterious by in silico analysis. Since supporting evidence is limited at this time, the clinical significance of this alteration remains unclear.

GeneDx
Classification: Uncertain significance. Last evaluated: 2023-06-05. Review status: criteria provided, single submitter. Criteria: GeneDx Variant Classification Process June 2021. Collection method: clinical testing. Allele origin: germline. Affected: yes.
Comment: In silico analysis supports that this missense variant has a deleterious effect on protein structure/function; Has not been previously published as pathogenic or benign to our knowledge; This variant is associated with the following publications: (PMID: 18466115, 36655425)

NM_000548.5(TSC2):c.1046A>G (p.Tyr349Cys)

Gene: TSC2 (TSC complex subunit 2; plus strand). Cytogenetic location: 16p13.3.
Variant type: single nucleotide variant.
Coding change: c.1046A>G on transcript NM_000548.5 (MANE Select); coding-DNA position 1046, A replaced by G.
Protein change: p.Tyr349Cys; replaces tyrosine 349 with cysteine.
Molecular consequence: missense variant.
Genome position (GRCh38, 1-based): chr16:2,060,740, A>G. VCF-style: chr16-2060740-A-G. GRCh37 (hg19) VCF-style: chr16-2110741-A-G.
Other names: c.1046A>G, p.Tyr349Cys (NM_001077183.3, NM_001114382.3, NM_001363528.2 and 3 more transcripts); c.935A>G, p.Tyr312Cys (NM_001318827.2); c.899A>G, p.Tyr300Cys (NM_001318829.2); c.446A>G, p.Tyr149Cys (NM_001318831.2); c.1079A>G, p.Tyr360Cys (NM_001318832.2); short protein forms Y349C, Y360C, Y149C, Y312C, Y300C.
Identifiers: ClinVar variation 405959 (VCV000405959.18), dbSNP rs1060500916, ClinGen allele CA16614703.